The following is an entry in ClinVar:

ClinVar aggregate classification (germline): Likely pathogenic (1 of 4 stars; one submission).

Conditions:
Familial adenomatous polyposis 2. Also called: MUTYH Polyposis; COLORECTAL ADENOMATOUS POLYPOSIS, AUTOSOMAL RECESSIVE; ADENOMAS, MULTIPLE COLORECTAL, AUTOSOMAL RECESSIVE; MYH-associated polyposis; MUTYH-associated polyposis; MUTYH-related attenuated familial adenomatous polyposis. Identifiers: Orphanet 220460, Orphanet 247798, MedGen C3272841, MONDO:0012041, OMIM 608456.

Submission:

All of Us Research Program, National Institutes of Health
Classification: Likely pathogenic for Familial adenomatous polyposis 2. Last evaluated: 2024-05-09. Review status: criteria provided, single submitter. Criteria: ACMG Guidelines, 2015. Collection method: clinical testing. Allele origin: germline. Inheritance: Autosomal recessive inheritance. Observed: 1 variant allele, 1 heterozygote.
Comment: This study involves interpretation of variants in research participants for the purpose of population health screening. Participant phenotype was not available at the time of variant classification. Additional details can be found in publication PMID: 35346344, PMCID: PMC8962531

NM_001048174.2(MUTYH):c.219_220dup (p.Ser74fs)

Gene: MUTYH (mutY DNA glycosylase; minus strand). Cytogenetic location: 1p34.1.
Variant type: Duplication.
Coding change: c.219_220dup on transcript NM_001048174.2 (MANE Select); coding-DNA positions 219 to 220, 2 bases duplicated (AA; older notation c.219_220dupAA).
Protein change: p.Ser74fs; shifts the reading frame from serine 74.
Molecular consequence: frameshift variant. On other transcripts: non-coding transcript variant (7), 5 prime UTR variant (6).
Genome position (GRCh38, 1-based): chr1:45,333,457-45,333,458, TT duplicated on the plus strand (AA on the coding strand, the reverse complement: MUTYH is on the minus strand). VCF-style (leftmost placement, unchanged base first): chr1-45333456-C-CTT. GRCh37 (hg19) VCF-style: chr1-45799128-C-CTT.
Other names: c.219_220dup, p.Ser74fs (NM_001048171.2, NM_001048173.2, NM_001293195.2 and 6 more transcripts); c.222_223dup, p.Ser75fs (NM_001048172.2, NM_001407071.1, NM_001407078.1 and 2 more transcripts); c.303_304dup, p.Ser102fs (NM_001128425.2); c.264_265dup, p.Ser89fs (NM_001293190.2); c.252_253dup, p.Ser85fs (NM_001293191.2, NM_001407077.1); c.-58_-57dup (NM_001293192.2, NM_001293196.2, NM_001407091.1); c.-53_-52dup (NM_001350650.2, NM_001350651.2, NM_001407082.1); c.294_295dup, p.Ser99fs (NM_001407069.1, NM_012222.3); and 3 more; short protein forms S102fs, S46fs, S74fs, S75fs, S81fs, S85fs, S88fs, S89fs.
Identifiers: ClinVar variation 3387082 (VCV003387082.1).